The following is an entry in ClinVar:

ClinVar aggregate classification (germline): Benign/Likely benign. Review status: criteria provided, multiple submitters, no conflicts (2 of 4 stars). 3 submissions from 3 submitters: Benign (1); Likely benign (1). 1 of the submissions does not count toward it. Last evaluated 2018-07-13.

Conditions:
CLIP1-related disorder. Also called: CLIP1-related condition.

Allele frequency attached by ClinVar (database versions not stated): gnomAD exomes 0.00012 and 0.00035; ExAC 0.00040; gnomAD 0.00120 and 0.00127; TOPMed 0.00131; 1000 Genomes Project 0.00160; ESP Exome Variant Server 0.00161; 1000 Genomes Project 30x 0.00203.
gnomAD v4.1: 377 of 1,613,850 alleles (0.023%); highest among the groups gnomAD compares: African/African-American, 0.42%; no homozygotes.

Submissions (3):

Labcorp Genetics (formerly Invitae), Labcorp
Classification: Benign. Last evaluated: 2018-07-13. Review status: criteria provided, single submitter. Criteria: Invitae Variant Classification Sherloc (09022015). Collection method: clinical testing. Allele origin: germline.

Genetic Services Laboratory, University of Chicago
Classification: Likely benign. Last evaluated: 2016-06-02. Review status: criteria provided, single submitter. Criteria: ACMG Guidelines, 2015. Collection method: clinical testing. Allele origin: germline. Affected: no.

PreventionGenetics, part of Exact Sciences
Classification: Likely benign for CLIP1-related condition. Last evaluated: 2019-10-28. Review status: no assertion criteria provided. Collection method: clinical testing. Allele origin: germline. Not counted in ClinVar's aggregate classification.
Comment: This variant is classified as likely benign based on ACMG/AMP sequence variant interpretation guidelines (Richards et al. 2015 PMID: 25741868, with internal and published modifications).

NM_001247997.2(CLIP1):c.297C>T (p.Asn99=)

Gene: CLIP1 (CAP-Gly domain containing linker protein 1; minus strand). Cytogenetic location: 12q24.31.
Variant type: single nucleotide variant.
Coding change: c.297C>T on transcript NM_001247997.2 (MANE Select); coding-DNA position 297, C replaced by T.
Protein change: p.Asn99=; no amino-acid change (asparagine 99 retained).
Molecular consequence: synonymous variant.
Genome position (GRCh38, 1-based): chr12:122,377,749, G>A on the plus strand (C>T on the coding strand, the complement: CLIP1 is on the minus strand). VCF-style: chr12-122377749-G-A. GRCh37 (hg19) VCF-style: chr12-122862296-G-A.
Other names: c.297C>T, p.Asn99= (NM_001389291.1, NM_002956.3, NM_198240.3).
Identifiers: ClinVar variation 434787 (VCV000434787.11), dbSNP rs141383610, ClinGen allele CA6845966.